The following is an entry in ClinVar:

NM_000288.4(PEX7):c.782G>A (p.Cys261Tyr)

Gene: PEX7 (peroxisomal biogenesis factor 7; plus strand). Cytogenetic location: 6q23.3.
Variant type: single nucleotide variant.
Coding change: c.782G>A on transcript NM_000288.4 (MANE Select); coding-DNA position 782, G replaced by A.
Protein change: p.Cys261Tyr; replaces cysteine 261 with tyrosine.
Molecular consequence: missense variant.
Genome position (GRCh38, 1-based): chr6:136,872,232, G>A. VCF-style: chr6-136872232-G-A. GRCh37 (hg19) VCF-style: chr6-137193370-G-A.
Other names: short protein forms C261Y.
Identifiers: ClinVar variation 1362443 (VCV001362443.6), dbSNP rs770301248, ClinGen allele CA4017757.

ClinVar aggregate classification (germline): Uncertain significance (1 of 4 stars; one submission).

Conditions:
Peroxisome biogenesis disorder 9B. Also called: PEX7-Related Refsum Disease; Refsum disease, adult, 2; PEROXISOME BIOGENESIS DISORDER, PEX7-RELATED, ATYPICAL. Identifiers: Orphanet 773, MedGen C2749346, MONDO:0013945, OMIM 614879.

Allele frequency attached by ClinVar (database versions not stated): gnomAD exomes 0.00001 and below 0.00001; ExAC 0.00001.
gnomAD v4.1: 3 of 1,598,172 alleles (0.00019%); highest among the groups gnomAD compares: Admixed American, 0.0034%; no homozygotes.

Submission:

Labcorp Genetics (formerly Invitae), Labcorp
Classification: Uncertain significance for Peroxisome biogenesis disorder 9B. Last evaluated: 2021-09-14. Review status: criteria provided, single submitter. Criteria: Invitae Variant Classification Sherloc (09022015). Collection method: clinical testing. Allele origin: germline.
Comment: This sequence change replaces cysteine with tyrosine at codon 261 of the PEX7 protein (p.Cys261Tyr). The cysteine residue is moderately conserved and there is a large physicochemical difference between cysteine and tyrosine. This variant is present in population databases (rs770301248, ExAC 0.002%). This variant has not been reported in the literature in individuals affected with PEX7-related conditions. Algorithms developed to predict the effect of missense changes on protein structure and function are either unavailable or do not agree on the potential impact of this missense change (SIFT: "Deleterious"; PolyPhen-2: "Probably Damaging"; Align-GVGD: "Class C0"). In summary, the available evidence is currently insufficient to determine the role of this variant in disease. Therefore, it has been classified as a Variant of Uncertain Significance.